The following is an entry in ClinVar:

ClinVar aggregate classification (germline): Likely benign (1 of 4 stars; one submission).

Submission:

CeGaT Center for Human Genetics Tuebingen
Classification: Likely benign. Last evaluated: 2026-07-01. Review status: criteria provided, single submitter. Criteria: CeGaT Center For Human Genetics Tuebingen Variant Classification Criteria Version 2. Collection method: clinical testing. Allele origin: germline. Affected: yes. Observed: 4 variant alleles.
Comment: IRF2BPL: BP4, BP7

NM_024496.4(IRF2BPL):c.333G>A (p.Gln111=)

Gene: IRF2BPL (interferon regulatory factor 2 binding protein like; minus strand). Cytogenetic location: 14q24.3.
Variant type: single nucleotide variant.
Coding change: c.333G>A on transcript NM_024496.4 (MANE Select); coding-DNA position 333, G replaced by A.
Protein change: p.Gln111=; no amino-acid change (glutamine 111 retained).
Molecular consequence: synonymous variant.
Genome position (GRCh38, 1-based): chr14:77,027,460, C>T on the plus strand (G>A on the coding strand, the complement: IRF2BPL is on the minus strand). VCF-style: chr14-77027460-C-T. GRCh37 (hg19) VCF-style: chr14-77493803-C-T.
Identifiers: ClinVar variation 3904915 (VCV003904915.10).
Genomic context (GRCh38, chr14:77,027,460, plus strand): 5'-AACGTGGTTGAGCTGTTGTTGCTGCTGCTGCTGCTGCTGCTGCTGCTGCTGTTGCTGCTG[C>T]TGCTGCTGCTGTTGCTGTTGCTGTTGCGCGGCGGCGGCGGCGGCCGCCGCTGCTGCCGCC-3'
Protein context (NP_078772.1, residues 101-121): AAQQQQQQQQ[Gln111=]QQQQQQQQQQ